The following is an entry in ClinVar:

ClinVar aggregate classification (germline): Uncertain significance (1 of 4 stars; one submission).

Conditions:
Joubert syndrome. Also called: CEREBELLOPARENCHYMAL DISORDER IV; JOUBERT-BOLTSHAUSER SYNDROME; Familial aplasia of the vermis. Identifiers: Orphanet 475, MedGen C5979921, MONDO:0018772.
Meckel-Gruber syndrome. Also called: DYSENCEPHALIA SPLANCHNOCYSTICA; GRUBER SYNDROME; Dysencephalia splachnocystica. Identifiers: Orphanet 564, MedGen C0265215, MONDO:0018921.

gnomAD v4.1: 2 of 1,614,010 alleles (0.00012%); highest among the groups gnomAD compares: Admixed American, 0.0033%; no homozygotes.

Submission:

Labcorp Genetics (formerly Invitae), Labcorp
Classification: Uncertain significance for Joubert syndrome; Meckel-Gruber syndrome. Last evaluated: 2024-01-19. Review status: criteria provided, single submitter. Criteria: Invitae Variant Classification Sherloc (09022015). Collection method: clinical testing. Allele origin: germline.
Comment: This sequence change replaces lysine, which is basic and polar, with asparagine, which is neutral and polar, at codon 37 of the RPGRIP1L protein (p.Lys37Asn). This variant is present in population databases (no rsID available, gnomAD 0.006%). This variant has not been reported in the literature in individuals affected with RPGRIP1L-related conditions. ClinVar contains an entry for this variant (Variation ID: 2157405). Advanced modeling of protein sequence and biophysical properties (such as structural, functional, and spatial information, amino acid conservation, physicochemical variation, residue mobility, and thermodynamic stability) performed at Invitae indicates that this missense variant is expected to disrupt RPGRIP1L protein function with a positive predictive value of 80%. In summary, the available evidence is currently insufficient to determine the role of this variant in disease. Therefore, it has been classified as a Variant of Uncertain Significance.

NM_015272.5(RPGRIP1L):c.111G>T (p.Lys37Asn)

Gene: RPGRIP1L (RPGRIP1 like; minus strand). Cytogenetic location: 16q12.2.
Variant type: single nucleotide variant.
Coding change: c.111G>T on transcript NM_015272.5 (MANE Select); coding-DNA position 111, G replaced by T.
Protein change: p.Lys37Asn; replaces lysine 37 with asparagine.
Molecular consequence: missense variant.
Genome position (GRCh38, 1-based): chr16:53,696,270, C>A on the plus strand (G>T on the coding strand, the complement: RPGRIP1L is on the minus strand). VCF-style: chr16-53696270-C-A. GRCh37 (hg19) VCF-style: chr16-53730182-C-A.
Other names: c.111G>T, p.Lys37Asn (NM_001127897.4, NM_001308334.3, NM_001328422.2 and 2 more transcripts); short protein forms K37N.
Identifiers: ClinVar variation 2157405 (VCV002157405.4), dbSNP rs774172381, ClinGen allele CA395926060.
Genomic context (GRCh38, chr16:53,696,270, plus strand): 5'-CAAACGCAAAAATCTGTCTTCCAGTTCCTCACGACTGACACGTGACACTGCCTGGCGAGA[C>A]TTCATTGTCCGTGTTGTTGAAGTTTCTGCAAAAATGCCAAGATAATTAATTGTGAGGTTA-3'
Protein context (NP_056087.2, residues 27-47): LQETSTTRTM[Lys37Asn]SRQAVSRVSR